The following is an entry in ClinVar:

ClinVar aggregate classification (germline): Uncertain significance (1 of 4 stars; one submission).

Conditions:
Classic homocystinuria. Also called: Homocystinuria due to Cystathionine Beta-Synthase Deficiency; HOMOCYSTINURIA WITH OR WITHOUT RESPONSE TO PYRIDOXINE; Homocystinuria due to CBS deficiency; Cystathionine beta-synthase deficiency; CBS deficiency. Identifiers: Orphanet 394, MedGen C0751202, MONDO:0009352, OMIM 236200.

Submission:

Myriad Genetics, Inc.
Classification: Uncertain significance for Classic homocystinuria. Last evaluated: 2025-11-17. Review status: criteria provided, single submitter. Criteria: Myriad Autosomal Dominant, Autosomal Recessive and X-Linked Classification Criteria (2023). Collection method: clinical testing. Allele origin: unknown.
Comment: NM_000071.2(CBS):c.188C>T(S63F) is a missense variant classified as a variant of uncertain significance in the context of homocystinuria, CBS-related. S63F has not been observed in cases with relevant disease. Relevant functional assessments of this variant are not available in the literature. S63F has not been observed in referenced population frequency databases. In summary, there is insufficient evidence to classify NM_000071.2(CBS):c.188C>T(S63F) as pathogenic or benign. Please note: this variant was assessed in the context of healthy population screening.

NM_000071.3(CBS):c.188C>T (p.Ser63Phe)

Gene: CBS (cystathionine beta-synthase; minus strand). Cytogenetic location: 21q22.3.
Variant type: single nucleotide variant.
Coding change: c.188C>T on transcript NM_000071.3 (MANE Select); coding-DNA position 188, C replaced by T.
Protein change: p.Ser63Phe; replaces serine 63 with phenylalanine.
Molecular consequence: missense variant.
Genome position (GRCh38, 1-based): chr21:43,072,006, G>A on the plus strand (C>T on the coding strand, the complement: CBS is on the minus strand). VCF-style: chr21-43072006-G-A. GRCh37 (hg19) VCF-style: chr21-44492116-G-A.
Other names: c.188C>T, p.Ser63Phe (NM_001178008.3, NM_001178009.3, NM_001320298.2); short protein forms S63F.
Identifiers: ClinVar variation 5003259 (VCV005003259.1).